The following is an entry in ClinVar:

ClinVar aggregate classification (germline): Uncertain significance (1 of 4 stars; one submission).

Submission:

Labcorp Genetics (formerly Invitae), Labcorp
Classification: Uncertain significance. Last evaluated: 2023-11-27. Review status: criteria provided, single submitter. Criteria: Invitae Variant Classification Sherloc (09022015). Collection method: clinical testing. Allele origin: germline.
Comment: This sequence change replaces proline, which is neutral and non-polar, with alanine, which is neutral and non-polar, at codon 570 of the LPIN1 protein (p.Pro570Ala). This variant is not present in population databases (gnomAD no frequency). This variant has not been reported in the literature in individuals affected with LPIN1-related conditions. ClinVar contains an entry for this variant (Variation ID: 2059172). Advanced modeling of protein sequence and biophysical properties (such as structural, functional, and spatial information, amino acid conservation, physicochemical variation, residue mobility, and thermodynamic stability) performed at Invitae indicates that this missense variant is not expected to disrupt LPIN1 protein function with a negative predictive value of 80%. In summary, the available evidence is currently insufficient to determine the role of this variant in disease. Therefore, it has been classified as a Variant of Uncertain Significance.

NM_001349206.2(LPIN1):c.1816C>G (p.Pro606Ala)

Gene: LPIN1 (lipin 1; plus strand). Cytogenetic location: 2p25.1.
Variant type: single nucleotide variant.
Coding change: c.1816C>G on transcript NM_001349206.2 (MANE Select); coding-DNA position 1816, C replaced by G.
Protein change: p.Pro606Ala; replaces proline 606 with alanine.
Molecular consequence: missense variant. On other transcripts: non-coding transcript variant (1).
Genome position (GRCh38, 1-based): chr2:11,795,417, C>G. VCF-style: chr2-11795417-C-G. GRCh37 (hg19) VCF-style: chr2-11935543-C-G.
Other names: c.1726C>G, p.Pro576Ala (NM_001261427.3); c.1963C>G, p.Pro655Ala (NM_001261428.3); c.1708C>G, p.Pro570Ala (NM_001349199.2, NM_145693.4); c.1786C>G, p.Pro596Ala (NM_001349200.2, NM_001349201.2); c.1813C>G, p.Pro605Ala (NM_001349202.2, NM_001349203.2); c.1816C>G, p.Pro606Ala (NM_001349204.2, NM_001349205.2); c.1906C>G, p.Pro636Ala (NM_001349207.2); c.1855C>G, p.Pro619Ala (NM_001349208.2); short protein forms P570A, P619A, P596A, P636A, P605A, P606A, P576A, P655A.
Identifiers: ClinVar variation 2059172 (VCV002059172.4), dbSNP rs1297101591, ClinGen allele CA345851578.